The following is an entry in ClinVar:

NM_014991.6(WDFY3):c.2327C>T (p.Ala776Val)

Genes: WDFY3 (WD repeat and FYVE domain containing 3; minus strand), WDFY3-AS1 (WDFY3 antisense RNA 1; plus strand). Cytogenetic location: 4q21.23.
Variant type: single nucleotide variant.
Coding change: c.2327C>T on transcript NM_014991.6 (MANE Select); coding-DNA position 2327, C replaced by T.
Protein change: p.Ala776Val; replaces alanine 776 with valine.
Molecular consequence: missense variant.
Genome position (GRCh38, 1-based): chr4:84,809,905, G>A on the plus strand (C>T on the coding strand, the complement: WDFY3 is on the minus strand). VCF-style: chr4-84809905-G-A. GRCh37 (hg19) VCF-style: chr4-85731058-G-A.
Other names: short protein forms A776V.
Identifiers: ClinVar variation 3373504 (VCV003373504.2).

ClinVar aggregate classification (germline): Uncertain significance (1 of 4 stars; one submission).

gnomAD v4.1: 1 of 1,613,930 alleles (0.000062%); highest among the groups gnomAD compares: East Asian, 0.0022%; no homozygotes.

Submission:

GeneDx
Classification: Uncertain significance. Last evaluated: 2026-01-15. Review status: criteria provided, single submitter. Criteria: GeneDx Variant Classification Process June 2021. Collection method: clinical testing. Allele origin: germline. Affected: yes.
Comment: Not observed at significant frequency in large population cohorts (gnomAD); In silico analysis suggests that this missense variant does not alter protein structure/function; Has not been previously published as pathogenic or benign to our knowledge